The following is an entry in ClinVar:

ClinVar aggregate classification (germline): Uncertain significance (1 of 4 stars; one submission).

Allele frequency attached by ClinVar (database versions not stated): gnomAD 0.00001; 1000 Genomes Project 30x 0.00016; 1000 Genomes Project 0.00020.
gnomAD v4.1: 1 of 1,544,092 alleles (0.000065%); highest among the groups gnomAD compares: East Asian, 0.0025%; no homozygotes.

Submission:

Labcorp Genetics (formerly Invitae), Labcorp
Classification: Uncertain significance. Last evaluated: 2023-07-13. Review status: criteria provided, single submitter. Criteria: Invitae Variant Classification Sherloc (09022015). Collection method: clinical testing. Allele origin: germline.
Comment: An algorithm developed to predict the effect of missense changes on protein structure and function (PolyPhen-2) suggests that this variant is likely to be tolerated. In summary, the available evidence is currently insufficient to determine the role of this variant in disease. Therefore, it has been classified as a Variant of Uncertain Significance. This variant has not been reported in the literature in individuals affected with NR2F1-related conditions. This sequence change replaces proline, which is neutral and non-polar, with leucine, which is neutral and non-polar, at codon 64 of the NR2F1 protein (p.Pro64Leu). This variant is not present in population databases (gnomAD no frequency).

NM_005654.6(NR2F1):c.191C>T (p.Pro64Leu)

Genes: NR2F1 (nuclear receptor subfamily 2 group F member 1; plus strand), NR2F1-AS1 (NR2F1 regulatory antisense RNA 1; minus strand). Cytogenetic location: 5q15.
Variant type: single nucleotide variant.
Coding change: c.191C>T on transcript NM_005654.6 (MANE Select); coding-DNA position 191, C replaced by T.
Protein change: p.Pro64Leu; replaces proline 64 with leucine.
Molecular consequence: missense variant.
Genome position (GRCh38, 1-based): chr5:93,585,214, C>T. VCF-style: chr5-93585214-C-T. GRCh37 (hg19) VCF-style: chr5-92920920-C-T.
Other names: short protein forms P64L.
Identifiers: ClinVar variation 2743048 (VCV002743048.3), dbSNP rs577687465, ClinGen allele CA3343109.